The following is an entry in ClinVar:

ClinVar aggregate classification (germline): Uncertain significance (1 of 4 stars; one submission).

Submission:

Labcorp Genetics (formerly Invitae), Labcorp
Classification: Uncertain significance. Last evaluated: 2022-03-10. Review status: criteria provided, single submitter. Criteria: Invitae Variant Classification Sherloc (09022015). Collection method: clinical testing. Allele origin: germline.
Comment: In summary, the available evidence is currently insufficient to determine the role of this variant in disease. Therefore, it has been classified as a Variant of Uncertain Significance. Algorithms developed to predict the effect of missense changes on protein structure and function are either unavailable or do not agree on the potential impact of this missense change (SIFT: "Deleterious"; PolyPhen-2: "Not Available"; Align-GVGD: "Class C0"). This variant has not been reported in the literature in individuals affected with CDH23-related conditions. This variant is not present in population databases (gnomAD no frequency). This sequence change replaces proline, which is neutral and non-polar, with leucine, which is neutral and non-polar, at codon 2738 of the CDH23 protein (p.Pro2738Leu).

NM_022124.6(CDH23):c.8213C>T (p.Pro2738Leu)

Gene: CDH23 (cadherin related 23; plus strand). Cytogenetic location: 10q22.1.
Variant type: single nucleotide variant.
Coding change: c.8213C>T on transcript NM_022124.6 (MANE Select); coding-DNA position 8213, C replaced by T.
Protein change: p.Pro2738Leu; replaces proline 2738 with leucine.
Molecular consequence: missense variant.
Genome position (GRCh38, 1-based): chr10:71,807,311, C>T. VCF-style: chr10-71807311-C-T. GRCh37 (hg19) VCF-style: chr10-73567068-C-T.
Other names: c.1493C>T, p.Pro498Leu (NM_001171933.1, NM_001171934.1); short protein forms P498L, P2738L.
Identifiers: ClinVar variation 1375954 (VCV001375954.6), dbSNP rs1374950495, ClinGen allele CA377130893.